The following is an entry in ClinVar:

ClinVar aggregate classification (germline): Uncertain significance (1 of 4 stars; one submission).

gnomAD v4.1: 2 of 1,614,226 alleles (0.00012%); highest among the groups gnomAD compares: Non-Finnish European, 0.00017%; no homozygotes.

Submission:

Labcorp Genetics (formerly Invitae), Labcorp
Classification: Uncertain significance. Last evaluated: 2024-03-29. Review status: criteria provided, single submitter. Criteria: Invitae Variant Classification Sherloc (09022015). Collection method: clinical testing. Allele origin: germline.
Comment: This sequence change replaces methionine, which is neutral and non-polar, with threonine, which is neutral and polar, at codon 73 of the TUBB1 protein (p.Met73Thr). This variant is not present in population databases (gnomAD no frequency). This variant has not been reported in the literature in individuals affected with TUBB1-related conditions. Advanced modeling of protein sequence and biophysical properties (such as structural, functional, and spatial information, amino acid conservation, physicochemical variation, residue mobility, and thermodynamic stability) performed at Invitae indicates that this missense variant is not expected to disrupt TUBB1 protein function with a negative predictive value of 80%. In summary, the available evidence is currently insufficient to determine the role of this variant in disease. Therefore, it has been classified as a Variant of Uncertain Significance.

NM_030773.4(TUBB1):c.218T>C (p.Met73Thr)

Gene: TUBB1 (tubulin beta 1 class VI; plus strand). Cytogenetic location: 20q13.32.
Variant type: single nucleotide variant.
Coding change: c.218T>C on transcript NM_030773.4 (MANE Select); coding-DNA position 218, T replaced by C.
Protein change: p.Met73Thr; replaces methionine 73 with threonine.
Molecular consequence: missense variant.
Genome position (GRCh38, 1-based): chr20:59,023,541, T>C. VCF-style: chr20-59023541-T-C. GRCh37 (hg19) VCF-style: chr20-57598596-T-C.
Other names: short protein forms M73T.
Identifiers: ClinVar variation 3702009 (VCV003702009.2).